The following is an entry in ClinVar:

ClinVar aggregate classification (germline): not provided (0 of 4 stars; one submission).

Allele frequency attached by ClinVar (database versions not stated): gnomAD exomes 0.00002; TOPMed 0.00003; gnomAD 0.00001.
gnomAD v4.1: 14 of 743,806 alleles (0.0019%); highest among the groups gnomAD compares: East Asian, 0.026%; no homozygotes.

Submission:

Human Evolutionary Genetics, Institut Pasteur
No classification provided. Review status: no classification provided. Collection method: not provided. Allele origin: germline.
ClinVar note: Converted during submission from untested to not provided.

NM_001433706.1(NLRP8):c.2705+138A>G

Gene: NLRP8 (NLR family pyrin domain containing 8; plus strand). Cytogenetic location: 19q13.43.
Variant type: single nucleotide variant.
Coding change: c.2705+138A>G on transcript NM_001433706.1 (MANE Select); 138 bases into the intron after coding-DNA position 2705, A replaced by G.
Molecular consequence: intron variant.
Genome position (GRCh38, 1-based): chr19:55,973,960, A>G. VCF-style: chr19-55973960-A-G. GRCh37 (hg19) VCF-style: chr19-56485326-A-G.
Other names: NM_176811.2:c.2705+138A>G; c.2648+138A>G (NM_001317000.1).
Identifiers: ClinVar variation 103328 (VCV000103328.2), dbSNP rs199475844, ClinGen allele CA230423.